The following is an entry in ClinVar:

NM_006206.6(PDGFRA):c.657A>G (p.Glu219=)

Gene: PDGFRA (platelet derived growth factor receptor alpha; plus strand). Cytogenetic location: 4q12.
Variant type: single nucleotide variant.
Coding change: c.657A>G on transcript NM_006206.6 (MANE Select); coding-DNA position 657, A replaced by G.
Protein change: p.Glu219=; no amino-acid change (glutamic acid 219 retained).
Molecular consequence: synonymous variant.
Genome position (GRCh38, 1-based): chr4:54,264,947, A>G. VCF-style: chr4-54264947-A-G. GRCh37 (hg19) VCF-style: chr4-55131114-A-G.
Other names: c.657A>G (NM_006206.4); c.657A>G, p.Glu219= (NM_001347827.2, NM_001347829.2); c.732A>G, p.Glu244= (NM_001347828.2); c.696A>G, p.Glu232= (NM_001347830.2).
Identifiers: ClinVar variation 1571821 (VCV001571821.9), dbSNP rs1722951842, ClinGen allele CA439285884.

ClinVar aggregate classification (germline): Conflicting classifications of pathogenicity. Review status: criteria provided, conflicting classifications (1 of 4 stars). 2 submissions from 2 submitters: Uncertain significance (1); Likely benign (1). Last evaluated 2025-12-01.

Conditions:
Hereditary cancer-predisposing syndrome. Also called: Tumor predisposition; Neoplastic Syndromes, Hereditary; Hereditary Cancer Syndrome; Hereditary neoplastic syndrome. Identifiers: Orphanet 140162, MedGen C0027672, MeSH D009386, MONDO:0015356.
Gastrointestinal stromal tumor. Also called: Gastrointestinal stromal tumor, somatic; Gastrointestinal stroma tumor. Identifiers: Orphanet 44890, MedGen C0238198, MeSH D046152, MONDO:0011719, OMIM 606764, HP:0100723.

Allele frequency attached by ClinVar (database versions not stated): gnomAD exomes below 0.00001.
gnomAD v4.1: 2 of 1,613,458 alleles (0.00012%); highest among the groups gnomAD compares: East Asian, 0.0022%; no homozygotes.

Submissions (2):

Labcorp Genetics (formerly Invitae), Labcorp
Classification: Likely benign for Gastrointestinal stromal tumor. Last evaluated: 2025-12-01. Review status: criteria provided, single submitter. Criteria: Invitae Variant Classification Sherloc (09022015). Collection method: clinical testing. Allele origin: germline.

Ambry Genetics
Classification: Uncertain significance for Hereditary cancer-predisposing syndrome. Last evaluated: 2025-01-13. Review status: criteria provided, single submitter. Criteria: Ambry Variant Classification Scheme 2023. Collection method: clinical testing. Allele origin: germline.
Comment: The c.657A>G variant (also known as p.E219E), located in coding exon 4 of the PDGFRA gene, results from an A to G substitution at nucleotide position 657. This nucleotide substitution does not change the glutamic acid at codon 219. This nucleotide position is not well conserved in available vertebrate species. In silico splice site analysis predicts that this alteration may weaken the native splice acceptor site; however, direct evidence is insufficient at this time (Ambry internal data). Based on the available evidence, the clinical significance of this variant remains unclear.